The following is an entry in ClinVar:

NM_022168.4(IFIH1):c.1114C>A (p.Leu372Ile)

Gene: IFIH1 (interferon induced with helicase C domain 1; minus strand). Cytogenetic location: 2q24.2.
Variant type: single nucleotide variant.
Coding change: c.1114C>A on transcript NM_022168.4 (MANE Select); coding-DNA position 1114, C replaced by A.
Protein change: p.Leu372Ile; replaces leucine 372 with isoleucine.
Molecular consequence: missense variant.
Genome position (GRCh38, 1-based): chr2:162,282,558, G>T on the plus strand (C>A on the coding strand, the complement: IFIH1 is on the minus strand). VCF-style: chr2-162282558-G-T. GRCh37 (hg19) VCF-style: chr2-163139068-G-T.
Other names: short protein forms L372I.
Identifiers: ClinVar variation 4855893 (VCV004855893.1).

ClinVar aggregate classification (germline): Uncertain significance (1 of 4 stars; one submission).

Conditions:
Aicardi-Goutieres syndrome 7 (AGS7). Identifiers: Orphanet 51, MedGen C3888244, MONDO:0014367, OMIM 615846.

Submission:

3billion
Classification: Uncertain significance for Aicardi-Goutieres syndrome 7. Last evaluated: 2025-07-14. Review status: criteria provided, single submitter. Criteria: ACMG Guidelines, 2015. Collection method: clinical testing. Allele origin: germline. Affected: yes.
Comment: The variant is not observed in the gnomAD v4.1.0 dataset. Predicted Consequence/Location: Missense variant. Missense changes are a common disease-causing mechanism. A different missense change at the same codon (p.Leu372Phe) has been reported to be associated with IFIH1-related disorder (ClinVar ID: VCV000140751 /PMID: 24995871). However the evidence of pathogenicity is insufficient at this time. Therefore, this variant is classified as VUS according to the recommendation of ACMG/AMP guideline.

Literature cited by the submitters: PubMed 24995871.